The following is an entry in ClinVar:

ClinVar aggregate classification (germline): Uncertain significance (1 of 4 stars; one submission).

Conditions:
GLUT1 deficiency syndrome 1, autosomal recessive. Identifiers: MedGen C3149117.

Submission:

Labcorp Genetics (formerly Invitae), Labcorp
Classification: Uncertain significance for GLUT1 deficiency syndrome 1, autosomal recessive. Last evaluated: 2020-09-08. Review status: criteria provided, single submitter. Criteria: Invitae Variant Classification Sherloc (09022015). Collection method: clinical testing. Allele origin: germline.
Comment: This variant results in a copy number gain of the genomic region encompassing the full coding sequence of the SLC2A1 gene. The boundaries of this event are unknown as they extend beyond the assayed region for this gene and therefore may encompass additional genes. As the precise location of this event is unknown, it may be in tandem or it may be located elsewhere in the genome. This variant has not been reported in the literature in individuals with SLC2A1-related conditions. Experimental studies and prediction algorithms are not available or were not evaluated, and the functional significance of this variant is currently unknown. In summary, the available evidence is currently insufficient to determine the role of this variant in disease. Therefore, it has been classified as a Variant of Uncertain Significance.

NC_000001.10:g.(?_43392692)_(43424342_?)dup

Gene: SLC2A1 (solute carrier family 2 member 1; minus strand). Cytogenetic location: 1p34.2.
Variant type: Duplication.
Identifiers: ClinVar variation 1062647 (VCV001062647.1).